The following is an entry in ClinVar:

NM_001382567.1(STIM1):c.1822G>A (p.Ala608Thr)

Genes: STIM1 (stromal interaction molecule 1; plus strand), LOC124418421 (Sharpr-MPRA regulatory region 9588; plus strand). Cytogenetic location: 11p15.4.
Variant type: single nucleotide variant.
Coding change: c.1822G>A on transcript NM_001382567.1 (MANE Select); coding-DNA position 1822, G replaced by A.
Protein change: p.Ala608Thr; replaces alanine 608 with threonine.
Molecular consequence: missense variant. On other transcripts: 3 prime UTR variant (4), non-coding transcript variant (3).
Genome position (GRCh38, 1-based): chr11:4,091,469, G>A. VCF-style: chr11-4091469-G-A. GRCh37 (hg19) VCF-style: chr11-4112699-G-A.
Other names: c.2047G>A, p.Ala683Thr (NM_001277961.3); c.*143G>A (NM_001277962.2, NM_001382578.1, NM_001382579.1 and 1 more transcripts); c.1825G>A, p.Ala609Thr (NM_001382566.1); c.1750G>A, p.Ala584Thr (NM_001382568.1); c.1594G>A, p.Ala532Thr (NM_001382569.1); c.1501G>A, p.Ala501Thr (NM_001382570.1); c.1249G>A, p.Ala417Thr (NM_001382571.1); c.1507G>A, p.Ala503Thr (NM_001382575.1, NM_001382576.1, NM_001382577.1); and 2 more; short protein forms A532T, A577T, A608T, A417T, A501T, A503T, A584T, A609T.
Identifiers: ClinVar variation 942022 (VCV000942022.10), dbSNP rs2094524790, ClinGen allele CA379197128.

ClinVar aggregate classification (germline): Uncertain significance (1 of 4 stars; one submission).

Conditions:
Stormorken syndrome (STRMK). Also called: THROMBOCYTOPATHY, ASPLENIA, AND MIOSIS. Identifiers: Orphanet 3204, MedGen C1861451, MONDO:0008497, OMIM 185070.
Combined immunodeficiency due to STIM1 deficiency. Also called: STIM1 DEFICIENCY; IMMUNODEFICIENCY 10. Identifiers: Orphanet 169090, Orphanet 317430, MedGen C2748557, MONDO:0013008, OMIM 612783.
Myopathy with tubular aggregates (TAM). Also called: Tubular Aggregate Myopathy. Identifiers: Orphanet 2593, MedGen C0410207, MONDO:0008051.

Allele frequency attached by ClinVar (database versions not stated): TOPMed below 0.00001; gnomAD 0.00001.
gnomAD v4.1: 1 of 1,614,064 alleles (0.000062%); highest among the groups gnomAD compares: Non-Finnish European, 0.000085%; no homozygotes.

Submission:

Labcorp Genetics (formerly Invitae), Labcorp
Classification: Uncertain significance for Myopathy with tubular aggregates; Combined immunodeficiency due to STIM1 deficiency; Stormorken syndrome. Last evaluated: 2022-03-18. Review status: criteria provided, single submitter. Criteria: Invitae Variant Classification Sherloc (09022015). Collection method: clinical testing. Allele origin: germline.
Comment: In summary, the available evidence is currently insufficient to determine the role of this variant in disease. Therefore, it has been classified as a Variant of Uncertain Significance. Algorithms developed to predict the effect of missense changes on protein structure and function (SIFT, PolyPhen-2, Align-GVGD) all suggest that this variant is likely to be tolerated. ClinVar contains an entry for this variant (Variation ID: 942022). This variant has not been reported in the literature in individuals affected with STIM1-related conditions. This variant is not present in population databases (gnomAD no frequency). This sequence change replaces alanine, which is neutral and non-polar, with threonine, which is neutral and polar, at codon 577 of the STIM1 protein (p.Ala577Thr).